The following is an entry in ClinVar:

NM_000059.4(BRCA2):c.2816C>G (p.Thr939Ser)

Gene: BRCA2 (BRCA2 DNA repair associated; plus strand). Cytogenetic location: 13q13.1.
Variant type: single nucleotide variant.
Coding change: c.2816C>G on transcript NM_000059.4 (MANE Select); coding-DNA position 2816, C replaced by G.
Protein change: p.Thr939Ser; replaces threonine 939 with serine.
Molecular consequence: missense variant.
Genome position (GRCh38, 1-based): chr13:32,337,171, C>G. VCF-style: chr13-32337171-C-G. GRCh37 (hg19) VCF-style: chr13-32911308-C-G.
Other names: short protein forms T939S.
Identifiers: ClinVar variation 481511 (VCV000481511.7), dbSNP rs1555282879, ClinGen allele CA387773777.

ClinVar aggregate classification (germline): Conflicting classifications of pathogenicity. Review status: criteria provided, conflicting classifications (1 of 4 stars). 2 submissions from 2 submitters: Uncertain significance (1); Likely benign (1). Last evaluated 2023-03-23.

Conditions:
Hereditary cancer-predisposing syndrome. Also called: Neoplastic Syndromes, Hereditary; Tumor predisposition; Hereditary Cancer Syndrome; Hereditary neoplastic syndrome. Identifiers: Orphanet 140162, MedGen C0027672, MeSH D009386, MONDO:0015356.

Submissions (2):

University of Washington Department of Laboratory Medicine, University of Washington
Classification: Likely benign for Hereditary cancer-predisposing syndrome. Last evaluated: 2023-03-23. Review status: criteria provided, single submitter. Criteria: Dines et al. (Genet Med. 2020). Collection method: curation. Allele origin: germline.
Comment: Missense variant in a coldspot region where missense variants are very unlikely to be pathogenic (PMID:31911673).

BRCA2 exon 11 coldspot. Reclassification based on statistical prior probability.

Ambry Genetics
Classification: Uncertain significance for Hereditary cancer-predisposing syndrome. Last evaluated: 2021-09-27. Review status: criteria provided, single submitter. Criteria: Ambry Variant Classification Scheme 2023. Collection method: clinical testing. Allele origin: germline.
Comment: The p.T939S variant (also known as c.2816C>G), located in coding exon 10 of the BRCA2 gene, results from a C to G substitution at nucleotide position 2816. The threonine at codon 939 is replaced by serine, an amino acid with similar properties. This amino acid position is poorly conserved in available vertebrate species. In addition, this alteration is predicted to be tolerated by in silico analysis. Since supporting evidence is limited at this time, the clinical significance of this alteration remains unclear.